The following is an entry in ClinVar:

ClinVar aggregate classification (germline): Conflicting classifications of pathogenicity. Review status: criteria provided, conflicting classifications (1 of 4 stars). 2 submissions from 2 submitters: Uncertain significance (1); Likely benign (1). Last evaluated 2024-03-29.

gnomAD v4.1: 1 of 1,613,976 alleles (0.000062%); highest among the groups gnomAD compares: Non-Finnish European, 0.000085%; no homozygotes.

Submissions (2):

Labcorp Genetics (formerly Invitae), Labcorp
Classification: Likely benign. Last evaluated: 2024-03-29. Review status: criteria provided, single submitter. Criteria: Invitae Variant Classification Sherloc (09022015). Collection method: clinical testing. Allele origin: germline.

Greenwood Genetic Center Diagnostic Laboratories, Greenwood Genetic Center
Classification: Uncertain significance. Last evaluated: 2022-02-07. Review status: criteria provided, single submitter. Criteria: ACMG Guidelines, 2015. Collection method: clinical testing. Allele origin: germline. Affected: yes.
Comment: PM2

NM_006662.3(SRCAP):c.633+13G>T

Gene: SRCAP (Snf2 related CREBBP activator protein; plus strand). Cytogenetic location: 16p11.2.
Variant type: single nucleotide variant.
Coding change: c.633+13G>T on transcript NM_006662.3 (MANE Select); 13 bases into the intron after coding-DNA position 633, G replaced by T.
Molecular consequence: intron variant.
Genome position (GRCh38, 1-based): chr16:30,707,725, G>T. VCF-style: chr16-30707725-G-T. GRCh37 (hg19) VCF-style: chr16-30719046-G-T.
Identifiers: ClinVar variation 1676575 (VCV001676575.5), dbSNP rs1016999544, ClinGen allele CA2573152230.
Genomic context (GRCh38, chr16:30,707,725, plus strand): 5'-TCCACCATGGCCAAGGATGTCAGGCAGTTCTGGAGCAATGTGGAGAAGGTAGACAGTGGG[G>T]ATCAGGAAAGGAAAATGGCCTTGGATTAGATTGGTAGATGGCGTGGTAGTAGGAATGATC-3'